The following is an entry in ClinVar:

NM_002432.3(MNDA):c.919C>T (p.Pro307Ser)

Gene: MNDA (myeloid cell nuclear differentiation antigen; plus strand). Cytogenetic location: 1q23.1.
Variant type: single nucleotide variant.
Coding change: c.919C>T on transcript NM_002432.3 (MANE Select); coding-DNA position 919, C replaced by T.
Protein change: p.Pro307Ser; replaces proline 307 with serine.
Molecular consequence: missense variant.
Genome position (GRCh38, 1-based): chr1:158,845,935, C>T. VCF-style: chr1-158845935-C-T. GRCh37 (hg19) VCF-style: chr1-158815725-C-T.
Other names: short protein forms P307S.
Identifiers: ClinVar variation 3222217 (VCV003222217.1), dbSNP rs779512356, ClinGen allele CA343042316.

ClinVar aggregate classification (germline): Uncertain significance (1 of 4 stars; one submission).

Submission:

Ambry Genetics
Classification: Uncertain significance. Last evaluated: 2023-12-11. Review status: criteria provided, single submitter. Criteria: Ambry Variant Classification Scheme 2023. Collection method: clinical testing. Allele origin: germline.
Comment: The p.P307S variant (also known as c.919C>T), located in coding exon 4 of the MNDA gene, results from a C to T substitution at nucleotide position 919. The proline at codon 307 is replaced by serine, an amino acid with similar properties. This amino acid position is conserved. In addition, this alteration is predicted to be tolerated by in silico analysis. Since supporting evidence is limited at this time, the clinical significance of this alteration remains unclear.